The following is an entry in ClinVar:

NM_201525.4(ADGRG1):c.1327_1330del (p.Leu443fs)

Gene: ADGRG1 (adhesion G protein-coupled receptor G1; plus strand). Cytogenetic location: 16q21.
Variant type: Deletion.
Coding change: c.1327_1330del on transcript NM_201525.4 (MANE Select); coding-DNA positions 1327 to 1330, 4 bases deleted (CTGC; older notation c.1327_1330delCTGC).
Protein change: p.Leu443fs; shifts the reading frame from leucine 443.
Molecular consequence: frameshift variant.
Genome position (GRCh38, 1-based): chr16:57,659,453-57,659,456, CTGC deleted; deleting any 4 consecutive bases within chr16:57,659,452-57,659,456 gives the same sequence; the c. name uses the placement nearest the transcript's 3' end. VCF-style (leftmost placement, unchanged base first): chr16-57659451-ACCTG-A. GRCh37 (hg19) VCF-style: chr16-57693363-ACCTG-A.
Other names: c.1327_1330del, p.Leu443fs (NM_001145770.3, NM_001145772.3, NM_001145774.3 and 7 more transcripts); c.1345_1348del, p.Leu449fs (NM_001145771.3, NM_001370428.1, NM_001370429.1 and 4 more transcripts); c.1342_1345del, p.Leu448fs (NM_001145773.3, NM_001370433.1, NM_001370434.1); c.835_838del, p.Leu279fs (NM_001290142.2); c.820_823del, p.Leu274fs (NM_001290143.2); c.802_805del, p.Leu268fs (NM_001290144.2, NM_001370451.1, NM_001370453.1 and 1 more transcripts); c.1324_1327del, p.Leu442fs (NM_001370441.1); c.1171_1174del, p.Leu391fs (NM_001370442.1); short protein forms L391fs, L448fs, L268fs, L449fs, L274fs, L279fs, L442fs, L443fs.
Identifiers: ClinVar variation 2839945 (VCV002839945.3), dbSNP rs2545461593, ClinGen allele CA2739265508.

ClinVar aggregate classification (germline): Pathogenic (1 of 4 stars; one submission).

Submission:

Labcorp Genetics (formerly Invitae), Labcorp
Classification: Pathogenic. Last evaluated: 2023-02-22. Review status: criteria provided, single submitter. Criteria: Invitae Variant Classification Sherloc (09022015). Collection method: clinical testing. Allele origin: germline.
Comment: For these reasons, this variant has been classified as Pathogenic. This variant has not been reported in the literature in individuals affected with ADGRG1-related conditions. This variant is not present in population databases (gnomAD no frequency). This sequence change creates a premature translational stop signal (p.Leu449Cysfs*19) in the ADGRG1 gene. It is expected to result in an absent or disrupted protein product. Loss-of-function variants in ADGRG1 are known to be pathogenic (PMID: 15044805, 20929962).

Literature cited by the submitters: PubMed 15044805; PubMed 20929962.